The following is an entry in ClinVar:

NM_001374736.1(DST):c.2656G>C (p.Glu886Gln)

Gene: DST (dystonin; minus strand). Cytogenetic location: 6p12.1.
Variant type: single nucleotide variant.
Coding change: c.2656G>C on transcript NM_001374736.1 (MANE Select); coding-DNA position 2656, G replaced by C.
Protein change: p.Glu886Gln; replaces glutamic acid 886 with glutamine.
Molecular consequence: missense variant.
Genome position (GRCh38, 1-based): chr6:56,639,737, C>G on the plus strand (G>C on the coding strand, the complement: DST is on the minus strand). VCF-style: chr6-56639737-C-G. GRCh37 (hg19) VCF-style: chr6-56504535-C-G.
Other names: c.2656G>C, p.Glu886Gln (NM_001374722.1); c.2023G>C, p.Glu675Gln (NM_001374729.1, NM_001374730.1, NM_001386100.1 and 1 more transcripts); c.2683G>C, p.Glu895Gln (NM_001374734.1); c.1045G>C, p.Glu349Gln (NM_001723.7, NM_015548.5); c.2557G>C, p.Glu853Gln (NM_001144769.5); c.2143G>C, p.Glu715Gln (NM_001144770.2); short protein forms E349Q, E675Q, E715Q, E853Q, E886Q, E895Q.
Identifiers: ClinVar variation 3052493 (VCV003052493.2), dbSNP rs2098869584, ClinGen allele CA364577807.

ClinVar aggregate classification (germline): Uncertain significance (0 of 4 stars; one submission).

Conditions:
DST-related disorder. Also called: DST-related condition; DST-related disorders.

gnomAD v4.1: 1 of 1,613,488 alleles (0.000062%); no homozygotes.

Submission:

PreventionGenetics, part of Exact Sciences
Classification: Uncertain significance for DST-related condition. Last evaluated: 2023-10-21. Review status: no assertion criteria provided. Collection method: clinical testing. Allele origin: germline.
Comment: The DST c.1045G>C variant is predicted to result in the amino acid substitution p.Glu349Gln. To our knowledge, this variant has not been reported in the literature or in a large population database, indicating this variant is rare. At this time, the clinical significance of this variant is uncertain due to the absence of conclusive functional and genetic evidence.